The following is an entry in ClinVar:

ClinVar aggregate classification (germline): Uncertain significance (1 of 4 stars; one submission).

Conditions:
Hereditary cancer-predisposing syndrome. Also called: Neoplastic Syndromes, Hereditary; Tumor predisposition; Hereditary neoplastic syndrome; Hereditary Cancer Syndrome. Identifiers: Orphanet 140162, MedGen C0027672, MeSH D009386, MONDO:0015356.

Submission:

Ambry Genetics
Classification: Uncertain significance for Hereditary cancer-predisposing syndrome. Last evaluated: 2026-08-31. Review status: criteria provided, single submitter. Criteria: Ambry Variant Classification Scheme 2023. Collection method: clinical testing. Allele origin: germline.
Comment: The p.K120N variant (also known as c.360G>T), located in coding exon 5 of the BAP1 gene, results from a G to T substitution at nucleotide position 360. The lysine at codon 120 is replaced by asparagine, an amino acid with similar properties. This amino acid position is conserved. In addition, this alteration is predicted to be tolerated by in silico analysis. Based on the available evidence, the clinical significance of this variant remains unclear.

NM_004656.4(BAP1):c.360G>T (p.Lys120Asn)

Gene: BAP1 (BRCA1 associated deubiquitinase 1; minus strand). Cytogenetic location: 3p21.1.
Variant type: single nucleotide variant.
Coding change: c.360G>T on transcript NM_004656.4 (MANE Select); coding-DNA position 360, G replaced by T.
Protein change: p.Lys120Asn; replaces lysine 120 with asparagine.
Molecular consequence: missense variant.
Genome position (GRCh38, 1-based): chr3:52,407,973, C>A on the plus strand (G>T on the coding strand, the complement: BAP1 is on the minus strand). VCF-style: chr3-52407973-C-A. GRCh37 (hg19) VCF-style: chr3-52441989-C-A.
Other names: c.360G>T, p.Lys120Asn (NM_001410772.1); short protein forms K120N.
Identifiers: ClinVar variation 5032762 (VCV005032762.1).